The following is an entry in ClinVar:

NM_006514.4(SCN10A):c.3631A>G (p.Lys1211Glu)

Gene: SCN10A (sodium voltage-gated channel alpha subunit 10; minus strand). Cytogenetic location: 3p22.2.
Variant type: single nucleotide variant.
Coding change: c.3631A>G on transcript NM_006514.4 (MANE Select); coding-DNA position 3631, A replaced by G.
Protein change: p.Lys1211Glu; replaces lysine 1211 with glutamic acid.
Molecular consequence: missense variant.
Genome position (GRCh38, 1-based): chr3:38,718,703, T>C on the plus strand (A>G on the coding strand, the complement: SCN10A is on the minus strand). VCF-style: chr3-38718703-T-C. GRCh37 (hg19) VCF-style: chr3-38760194-T-C.
Other names: c.3628A>G, p.Lys1210Glu (NM_001293306.2); c.3337A>G, p.Lys1113Glu (NM_001293307.2); short protein forms K1113E, K1210E, K1211E.
Identifiers: ClinVar variation 3368470 (VCV003368470.1).

ClinVar aggregate classification (germline): Uncertain significance (1 of 4 stars; one submission).

Submission:

GeneDx
Classification: Uncertain significance. Last evaluated: 2024-02-02. Review status: criteria provided, single submitter. Criteria: GeneDx Variant Classification Process June 2021. Collection method: clinical testing. Allele origin: germline. Affected: yes.
Comment: Not observed at significant frequency in large population cohorts (gnomAD); In silico analysis supports that this missense variant does not alter protein structure/function; Has not been previously published as pathogenic or benign to our knowledge